The following is an entry in ClinVar:

NM_022765.4(MICAL1):c.281C>T (p.Pro94Leu)

Gene: MICAL1 (microtubule associated monooxygenase, calponin and LIM domain containing 1; minus strand). Cytogenetic location: 6q21.
Variant type: single nucleotide variant.
Coding change: c.281C>T on transcript NM_022765.4 (MANE Select); coding-DNA position 281, C replaced by T.
Protein change: p.Pro94Leu; replaces proline 94 with leucine.
Molecular consequence: missense variant.
Genome position (GRCh38, 1-based): chr6:109,453,823, G>A on the plus strand (C>T on the coding strand, the complement: MICAL1 is on the minus strand). VCF-style: chr6-109453823-G-A. GRCh37 (hg19) VCF-style: chr6-109775026-G-A.
Other names: c.281C>T, p.Pro94Leu (NM_001159291.2); c.338C>T, p.Pro113Leu (NM_001286613.2); c.281C>T (NM_022765.3); short protein forms P113L, P94L.
Identifiers: ClinVar variation 1920332 (VCV001920332.6), dbSNP rs772032931, ClinGen allele CA3953836.
Genomic context (GRCh38, chr6:109,453,823, plus strand): 5'-TCCACCAGCACCACTCGGGCCCCCAGCAGCGCCAGCTCCACAGCGACCCGCAGCCCGCAA[G>A]GTCCAGCACCCACCACCAGGCACTGTGAACACACAGGGCAGTGAGGGCATGGCATCCTGT-3'
Protein context (NP_073602.3, residues 84-104): STKCLVVGAG[Pro94Leu]CGLRVAVELA

ClinVar aggregate classification (germline): Uncertain significance. Review status: criteria provided, multiple submitters, no conflicts (2 of 4 stars). 2 submissions from 2 submitters: Uncertain significance (2). Last evaluated 2025-12-20.

Allele frequency attached by ClinVar (database versions not stated): ExAC 0.00001; gnomAD exomes 0.00001; TOPMed 0.00001.
gnomAD v4.1: 3 of 1,613,514 alleles (0.00019%); highest among the groups gnomAD compares: South Asian, 0.0022%; no homozygotes.

Submissions (2):

Labcorp Genetics (formerly Invitae), Labcorp
Classification: Uncertain significance. Last evaluated: 2025-12-20. Review status: criteria provided, single submitter. Criteria: Invitae Variant Classification Sherloc (09022015). Collection method: clinical testing. Allele origin: germline.
Comment: This sequence change replaces proline, which is neutral and non-polar, with leucine, which is neutral and non-polar, at codon 113 of the MICAL1 protein (p.Pro113Leu). This variant is present in population databases (rs772032931, gnomAD 0.003%). This variant has not been reported in the literature in individuals affected with MICAL1-related conditions. ClinVar contains an entry for this variant (Variation ID: 1920332). An algorithm developed to predict the effect of missense changes on protein structure and function (PolyPhen-2) suggests that this variant is likely to be disruptive. In summary, the available evidence is currently insufficient to determine the role of this variant in disease. Therefore, it has been classified as a Variant of Uncertain Significance.

Ambry Genetics
Classification: Uncertain significance. Last evaluated: 2024-05-13. Review status: criteria provided, single submitter. Criteria: Ambry Variant Classification Scheme 2023. Collection method: clinical testing. Allele origin: germline.